The following is an entry in ClinVar:

NM_007255.3(B4GALT7):c.-26C>T

Genes: B4GALT7 (beta-1,4-galactosyltransferase 7; plus strand), LOC129995400 (ATAC-STARR-seq lymphoblastoid silent region 16704; plus strand). Cytogenetic location: 5q35.3.
Variant type: single nucleotide variant.
Coding change: c.-26C>T on transcript NM_007255.3 (MANE Select); 26 bases upstream of the start codon, C replaced by T.
Molecular consequence: 5 prime UTR variant.
Genome position (GRCh38, 1-based): chr5:177,600,185, C>T. VCF-style: chr5-177600185-C-T. GRCh37 (hg19) VCF-style: chr5-177027186-C-T.
Identifiers: ClinVar variation 384811 (VCV000384811.2), dbSNP rs530248269, ClinGen allele CA3586338.

ClinVar aggregate classification (germline): Likely benign. Review status: criteria provided, multiple submitters, no conflicts (2 of 4 stars). 2 submissions from 2 submitters: Likely benign (2). Last evaluated 2018-01-30.

Allele frequency attached by ClinVar (database versions not stated): gnomAD exomes 0.00161; TOPMed 0.00190; gnomAD 0.00212 and 0.00220; ExAC 0.00473; 1000 Genomes Project 30x 0.00094; 1000 Genomes Project 0.00100.
gnomAD v4.1: 4,708 of 1,342,070 alleles (0.35%); highest among the groups gnomAD compares: Non-Finnish European, 0.42%; 11 homozygotes.

Submissions (2):

GeneDx
Classification: Likely benign. Last evaluated: 2018-01-30. Review status: criteria provided, single submitter. Criteria: GeneDx Variant Classification (06012015). Collection method: clinical testing. Allele origin: germline. Affected: yes.
Comment: This variant is considered likely benign or benign based on one or more of the following criteria: it is a conservative change, it occurs at a poorly conserved position in the protein, it is predicted to be benign by multiple in silico algorithms, and/or has population frequency not consistent with disease.

Breakthrough Genomics
Classification: Likely benign. Review status: criteria provided, single submitter. Criteria: ACMG Guidelines, 2015. Collection method: not provided. Allele origin: germline. Inheritance: Autosomal recessive inheritance. Affected: yes.